The following is an entry in ClinVar:

NM_005732.4(RAD50):c.1935del (p.Glu647fs)

Gene: RAD50 (RAD50 double strand break repair protein; plus strand). Cytogenetic location: 5q31.1.
Variant type: Deletion.
Coding change: c.1935del on transcript NM_005732.4 (MANE Select); coding-DNA position 1935, one base deleted (T; older notation c.1935delT).
Protein change: p.Glu647fs; shifts the reading frame from glutamic acid 647.
Molecular consequence: frameshift variant.
Genome position (GRCh38, 1-based): chr5:132,595,010, T deleted; the last of 2 consecutive T bases (chr5:132,595,009-132,595,010); deleting either gives the same sequence. VCF-style (leftmost placement, unchanged base first): chr5-132595008-CT-C. GRCh37 (hg19) VCF-style: chr5-131930700-CT-C.
Other names: short protein forms E647fs.
Identifiers: ClinVar variation 2135740 (VCV002135740.4), dbSNP rs2149843770, ClinGen allele CA2580072662.

ClinVar aggregate classification (germline): Pathogenic (1 of 4 stars; one submission).

Conditions:
Hereditary cancer-predisposing syndrome. Also called: Hereditary neoplastic syndrome; Hereditary Cancer Syndrome; Tumor predisposition; Neoplastic Syndromes, Hereditary. Identifiers: Orphanet 140162, MedGen C0027672, MeSH D009386, MONDO:0015356.

Submission:

Labcorp Genetics (formerly Invitae), Labcorp
Classification: Pathogenic for Hereditary cancer-predisposing syndrome. Last evaluated: 2022-05-09. Review status: criteria provided, single submitter. Criteria: Invitae Variant Classification Sherloc (09022015). Collection method: clinical testing. Allele origin: germline.
Comment: This sequence change creates a premature translational stop signal (p.Glu647Argfs*27) in the RAD50 gene. It is expected to result in an absent or disrupted protein product. Loss-of-function variants in RAD50 are known to be pathogenic (PMID: 19409520). This variant is not present in population databases (gnomAD no frequency). This variant has not been reported in the literature in individuals affected with RAD50-related conditions. For these reasons, this variant has been classified as Pathogenic.

Literature cited by the submitters: PubMed 19409520.